The following is an entry in ClinVar:

ClinVar aggregate classification (germline): Benign/Likely benign. Review status: criteria provided, multiple submitters, no conflicts (2 of 4 stars). 9 submissions from 9 submitters: Benign (7); Likely benign (1). 1 of the submissions does not count toward it. Last evaluated 2026-02-04.

Conditions:
Nemaline myopathy 2 (NEM2). Also called: Nemaline myopathy 2, autosomal recessive. Identifiers: MedGen C1850569, MONDO:0009725, OMIM 256030.

Allele frequency attached by ClinVar (database versions not stated): gnomAD exomes 0.02018 and 0.02140; 1000 Genomes Project 0.02137; 1000 Genomes Project 30x 0.02202; ExAC 0.02648; ESP Exome Variant Server 0.02764; TOPMed 0.02909; gnomAD 0.02921 and 0.03096.
gnomAD v4.1: 35,613 of 1,611,434 alleles (2.2%); highest among the groups gnomAD compares: African/African-American, 5.6%; 501 homozygotes.

Submissions (9):

Labcorp Genetics (formerly Invitae), Labcorp
Classification: Benign for Nemaline myopathy 2. Last evaluated: 2026-02-04. Review status: criteria provided, single submitter. Criteria: Invitae Variant Classification Sherloc (09022015). Collection method: clinical testing. Allele origin: germline.

Blueprint Genetics
Classification: Likely benign. Last evaluated: 2024-11-26. Review status: criteria provided, single submitter. Criteria: ACMG Guidelines, 2015. Collection method: clinical testing. Allele origin: germline.

Women's Health and Genetics/Laboratory Corporation of America, LabCorp
Classification: Benign. Last evaluated: 2022-02-01. Review status: criteria provided, single submitter. Criteria: LabCorp Variant Classification Summary - May 2015. Collection method: clinical testing. Allele origin: germline.

Mayo Clinic Laboratories, Mayo Clinic
Classification: Benign. Last evaluated: 2018-05-23. Review status: criteria provided, single submitter. Criteria: ACMG Guidelines, 2015. Collection method: clinical testing. Allele origin: germline. Observed: 32 variant alleles.

Illumina Laboratory Services, Illumina
Classification: Benign for Nemaline myopathy 2. Last evaluated: 2018-01-13. Review status: criteria provided, single submitter. Criteria: ICSL Variant Classification Criteria 13 December 2019. Collection method: clinical testing. Allele origin: germline.
Comment: This variant was observed in the ICSL laboratory as part of a predisposition screen in an ostensibly healthy population. It had not been previously curated by ICSL or reported in the Human Gene Mutation Database (HGMD: prior to June 1st, 2018), and was therefore a candidate for classification through an automated scoring system. Utilizing variant allele frequency, disease prevalence and penetrance estimates, and inheritance mode, an automated score was calculated to assess if this variant is too frequent to cause the disease. Based on the score and internal cut-off values, a variant classified as benign is not then subjected to further curation. The score for this variant resulted in a classification of benign for this disease.

GeneDx
Classification: Benign. Last evaluated: 2016-03-29. Review status: criteria provided, single submitter. Criteria: GeneDx Variant Classification (06012015). Collection method: clinical testing. Allele origin: germline. Affected: yes.
Comment: This variant is considered likely benign or benign based on one or more of the following criteria: it is a conservative change, it occurs at a poorly conserved position in the protein, it is predicted to be benign by multiple in silico algorithms, and/or has population frequency not consistent with disease.

Breakthrough Genomics
Classification: Benign. Review status: criteria provided, single submitter. Criteria: ACMG Guidelines, 2015. Collection method: not provided. Allele origin: germline. Inheritance: Autosomal recessive inheritance. Affected: yes.

PreventionGenetics, part of Exact Sciences
Classification: Benign. Review status: criteria provided, single submitter. Criteria: ACMG Guidelines, 2015. Collection method: clinical testing. Allele origin: germline.

Genetic Services Laboratory, University of Chicago
Classification: Likely benign for AllHighlyPenetrant. Review status: no assertion criteria provided. Collection method: clinical testing. Allele origin: germline. Inheritance: Autosomal recessive inheritance. Not counted in ClinVar's aggregate classification.
Comment: Likely benign based on allele frequency in 1000 Genomes Project or ESP global frequency and its presence in a patient with a rare or unrelated disease phenotype. NOT Sanger confirmed.

NM_001164508.2(NEB):c.21963A>G (p.Lys7321=)

Genes: NEB (nebulin; minus strand), RIF1 (replication timing regulatory factor 1; plus strand). Cytogenetic location: 2q23.3.
Variant type: single nucleotide variant.
Coding change: c.21963A>G on transcript NM_001164508.2 (MANE Select); coding-DNA position 21963, A replaced by G.
Protein change: p.Lys7321=; no amino-acid change (lysine 7321 retained).
Molecular consequence: synonymous variant.
Genome position (GRCh38, 1-based): chr2:151,526,245, T>C on the plus strand (A>G on the coding strand, the complement: NEB is on the minus strand). VCF-style: chr2-151526245-T-C. GRCh37 (hg19) VCF-style: chr2-152382759-T-C.
Other names: p.Lys7356=; c.21963A>G, p.Lys7321= (NM_001164507.2); c.22068A>G, p.Lys7356= (NM_001271208.2); c.16860A>G, p.Lys5620= (NM_004543.5).
Identifiers: ClinVar variation 129729 (VCV000129729.23), dbSNP rs61730765, ClinGen allele CA153952.